The following is an entry in ClinVar:

NM_001286445.3(RIPOR2):c.2623G>A (p.Val875Ile)

Gene: RIPOR2 (RHO family interacting cell polarization regulator 2; minus strand). Cytogenetic location: 6p22.3.
Variant type: single nucleotide variant.
Coding change: c.2623G>A on transcript NM_001286445.3 (MANE Select); coding-DNA position 2623, G replaced by A.
Protein change: p.Val875Ile; replaces valine 875 with isoleucine.
Molecular consequence: missense variant.
Genome position (GRCh38, 1-based): chr6:24,828,179, C>T on the plus strand (G>A on the coding strand, the complement: RIPOR2 is on the minus strand). VCF-style: chr6-24828179-C-T. GRCh37 (hg19) VCF-style: chr6-24828407-C-T.
Other names: c.2686G>A (NM_014722.2, NM_014722.3); c.2536G>A, p.Val846Ile (NM_001346031.2, NM_001346032.2); c.2686G>A, p.Val896Ile (NM_014722.5); short protein forms V846I, V875I, V896I.
Identifiers: ClinVar variation 1680485 (VCV001680485.10), dbSNP rs538212854, ClinGen allele CA3659091.

ClinVar aggregate classification (germline): Uncertain significance. Review status: criteria provided, multiple submitters, no conflicts (2 of 4 stars). 3 submissions from 3 submitters: Uncertain significance (3). Last evaluated 2024-07-22.

Allele frequency attached by ClinVar (database versions not stated): gnomAD 0.00003; TOPMed 0.00003; gnomAD exomes 0.00006 and 0.00014; 1000 Genomes Project 30x 0.00016; 1000 Genomes Project 0.00020; ExAC 0.00047.
gnomAD v4.1: 97 of 1,550,544 alleles (0.0063%); highest among the groups gnomAD compares: South Asian, 0.086%; 2 homozygotes.

Submissions (3):

GeneDx
Classification: Uncertain significance. Last evaluated: 2024-07-22. Review status: criteria provided, single submitter. Criteria: GeneDx Variant Classification Process June 2021. Collection method: clinical testing. Allele origin: germline. Affected: yes.
Comment: In silico analysis indicates that this missense variant does not alter protein structure/function; Has not been previously published as pathogenic or benign to our knowledge; Variants in candidate genes are classified as variants of uncertain significance in accordance with ACMG guidelines (PMID: 25741868)

Ambry Genetics
Classification: Uncertain significance. Last evaluated: 2022-02-10. Review status: criteria provided, single submitter. Criteria: Ambry Variant Classification Scheme 2023. Collection method: clinical testing. Allele origin: germline.

Labcorp Genetics (formerly Invitae), Labcorp
Classification: Uncertain significance. Last evaluated: 2021-07-19. Review status: criteria provided, single submitter. Criteria: Invitae Variant Classification Sherloc (09022015). Collection method: clinical testing. Allele origin: germline.
Comment: This sequence change replaces valine with isoleucine at codon 896 of the FAM65B protein (p.Val896Ile). The valine residue is moderately conserved and there is a small physicochemical difference between valine and isoleucine. This variant is present in population databases (rs538212854, ExAC 0.1%). This variant has not been reported in the literature in individuals affected with FAM65B-related conditions. Algorithms developed to predict the effect of missense changes on protein structure and function (SIFT, PolyPhen-2, Align-GVGD) all suggest that this variant is likely to be tolerated. In summary, the available evidence is currently insufficient to determine the role of this variant in disease. Therefore, it has been classified as a Variant of Uncertain Significance.